The following is an entry in ClinVar:

ClinVar aggregate classification (germline): Pathogenic (1 of 4 stars; one submission).

gnomAD v4.1: 1 of 1,593,480 alleles (0.000063%); highest among the groups gnomAD compares: Non-Finnish European, 0.000085%; no homozygotes.

Submission:

Labcorp Genetics (formerly Invitae), Labcorp
Classification: Pathogenic. Last evaluated: 2025-12-03. Review status: criteria provided, single submitter. Criteria: Invitae Variant Classification Sherloc (09022015). Collection method: clinical testing. Allele origin: germline.
Comment: This sequence change creates a premature translational stop signal (p.Gln1059*) in the CDAN1 gene. It is expected to result in an absent or disrupted protein product. Loss-of-function variants in CDAN1 are known to be pathogenic (PMID: 16098079, 16141353). This variant is not present in population databases (gnomAD no frequency). This variant has not been reported in the literature in individuals affected with CDAN1-related conditions. For these reasons, this variant has been classified as Pathogenic.

Literature cited by the submitters: PubMed 16098079; PubMed 16141353.

NM_138477.4(CDAN1):c.3175C>T (p.Gln1059Ter)

Gene: CDAN1 (codanin 1; minus strand). Cytogenetic location: 15q15.2.
Variant type: single nucleotide variant.
Coding change: c.3175C>T on transcript NM_138477.4 (MANE Select); coding-DNA position 3175, C replaced by T.
Protein change: p.Gln1059Ter; replaces glutamine 1059 with a stop codon.
Molecular consequence: nonsense.
Genome position (GRCh38, 1-based): chr15:42,726,339, G>A on the plus strand (C>T on the coding strand, the complement: CDAN1 is on the minus strand). VCF-style: chr15-42726339-G-A. GRCh37 (hg19) VCF-style: chr15-43018537-G-A.
Other names: short protein forms Q1059*.
Identifiers: ClinVar variation 4779249 (VCV004779249.1).
Genomic context (GRCh38, chr15:42,726,339, plus strand): 5'-AAGCCCCCCGGTGGCAGATGCCACAGCTCACCTGGCGGCACCGCAGCGTCTGGCCCAGCT[G>A]GCCTAGGAGCTGTTCCAGATGCTCTGGGGAGACTCCCTCGTCAGGGTCCCGTGGCCCCAC-3'